The following is an entry in ClinVar:

NM_000051.4(ATM):c.2251-18T>C

Gene: ATM (ATM serine/threonine kinase; plus strand). Cytogenetic location: 11q22.3.
Variant type: single nucleotide variant.
Coding change: c.2251-18T>C on transcript NM_000051.4 (MANE Select); 18 bases into the intron before coding-DNA position 2251, T replaced by C.
Molecular consequence: intron variant.
Genome position (GRCh38, 1-based): chr11:108,257,463, T>C. VCF-style: chr11-108257463-T-C. GRCh37 (hg19) VCF-style: chr11-108128190-T-C.
Other names: c.2251-18T>C (NM_001351834.2).
Identifiers: ClinVar variation 3254483 (VCV003254483.3), dbSNP rs1555075595.

ClinVar aggregate classification (germline): Likely benign. Review status: criteria provided, multiple submitters, no conflicts (2 of 4 stars). 2 submissions from 2 submitters: Likely benign (2). Last evaluated 2025-03-31.

Conditions:
Familial cancer of breast. Also called: BREAST CANCER, FAMILIAL; hereditary breast carcinoma; Hereditary breast cancer. Identifiers: Orphanet 227535, MedGen C0346153, MONDO:0016419, OMIM 114480. Disease mechanism: loss of function.
Ataxia-telangiectasia syndrome (AT). Also called: LOUIS-BAR SYNDROME; Cerebello-oculocutaneous telangiectasia; Immunodeficiency with ataxia telangiectasia; AT, COMPLEMENTATION GROUP C; Ataxia-telangiectasia, complementation group D; ATAXIA-TELANGIECTASIA, COMPLEMENTATION GROUP A. Identifiers: Orphanet 100, MedGen C0004135, MONDO:0008840, OMIM 208900.

Submissions (2):

Labcorp Genetics (formerly Invitae), Labcorp
Classification: Likely benign for Ataxia-telangiectasia syndrome. Last evaluated: 2025-03-31. Review status: criteria provided, single submitter. Criteria: Invitae Variant Classification Sherloc (09022015). Collection method: clinical testing. Allele origin: germline.

Myriad Genetics, Inc.
Classification: Likely benign for Familial cancer of breast. Last evaluated: 2024-05-08. Review status: criteria provided, single submitter. Criteria: Myriad Autosomal Dominant, Autosomal Recessive and X-Linked Classification Criteria (2023). Collection method: clinical testing. Allele origin: unknown.
Comment: This variant is considered likely benign. This variant is intronic and is not expected to impact mRNA splicing.